The following is an entry in ClinVar:

NM_007289.4(MME):c.1933C>A (p.Leu645Met)

Gene: MME (membrane metalloendopeptidase; plus strand). Cytogenetic location: 3q25.2.
Variant type: single nucleotide variant.
Coding change: c.1933C>A on transcript NM_007289.4 (MANE Select); coding-DNA position 1933, C replaced by A.
Protein change: p.Leu645Met; replaces leucine 645 with methionine.
Molecular consequence: missense variant.
Genome position (GRCh38, 1-based): chr3:155,168,750, C>A. VCF-style: chr3-155168750-C-A. GRCh37 (hg19) VCF-style: chr3-154886539-C-A.
Other names: c.1933C>A, p.Leu645Met (NM_000902.5, NM_001354642.2, NM_001354643.1 and 2 more transcripts); short protein forms L645M.
Identifiers: ClinVar variation 852945 (VCV000852945.25), dbSNP rs202245924, ClinGen allele CA2675692.

ClinVar aggregate classification (germline): Uncertain significance. Review status: criteria provided, multiple submitters, no conflicts (2 of 4 stars). 2 submissions from 2 submitters: Uncertain significance (2). Last evaluated 2024-05-01.

Allele frequency attached by ClinVar (database versions not stated): ExAC 0.00001; gnomAD 0.00001; gnomAD exomes 0.00001; TOPMed 0.00001.
gnomAD v4.1: 11 of 1,613,082 alleles (0.00068%); highest among the groups gnomAD compares: Non-Finnish European, 0.00093%; no homozygotes.

Submissions (2):

CeGaT Center for Human Genetics Tuebingen
Classification: Uncertain significance. Last evaluated: 2024-05-01. Review status: criteria provided, single submitter. Criteria: CeGaT Center For Human Genetics Tuebingen Variant Classification Criteria Version 2. Collection method: clinical testing. Allele origin: germline. Affected: yes. Observed: 1 variant allele.
Comment: MME: PM2, BP5

Labcorp Genetics (formerly Invitae), Labcorp
Classification: Uncertain significance. Last evaluated: 2022-07-17. Review status: criteria provided, single submitter. Criteria: Invitae Variant Classification Sherloc (09022015). Collection method: clinical testing. Allele origin: germline.
Comment: This sequence change replaces leucine, which is neutral and non-polar, with methionine, which is neutral and non-polar, at codon 645 of the MME protein (p.Leu645Met). This variant is present in population databases (rs202245924, gnomAD 0.0009%). This variant has not been reported in the literature in individuals affected with MME-related conditions. ClinVar contains an entry for this variant (Variation ID: 852945). Algorithms developed to predict the effect of missense changes on protein structure and function are either unavailable or do not agree on the potential impact of this missense change (SIFT: "Tolerated"; PolyPhen-2: "Probably Damaging"; Align-GVGD: "Class C0"). In summary, the available evidence is currently insufficient to determine the role of this variant in disease. Therefore, it has been classified as a Variant of Uncertain Significance.